The following is an entry in ClinVar:

NM_001851.6(COL9A1):c.1143+1G>A

Gene: COL9A1 (collagen type IX alpha 1 chain; minus strand). Cytogenetic location: 6q13.
Variant type: single nucleotide variant.
Coding change: c.1143+1G>A on transcript NM_001851.6 (MANE Select); the canonical splice donor site of the intron after coding-DNA position 1143, G replaced by A.
Molecular consequence: splice donor variant.
Genome position (GRCh38, 1-based): chr6:70,271,654, C>T on the plus strand (G>A on the coding strand, the complement: COL9A1 is on the minus strand). VCF-style: chr6-70271654-C-T. GRCh37 (hg19) VCF-style: chr6-70981357-C-T.
Other names: c.414+1G>A (NM_001377290.1, NM_078485.4, NM_001377289.1).
Identifiers: ClinVar variation 1066246 (VCV001066246.7), dbSNP rs1490405035, ClinGen allele CA364682109.

ClinVar aggregate classification (germline): Likely pathogenic (1 of 4 stars; one submission).

Submission:

Labcorp Genetics (formerly Invitae), Labcorp
Classification: Likely pathogenic. Last evaluated: 2020-08-08. Review status: criteria provided, single submitter. Criteria: Invitae Variant Classification Sherloc (09022015). Collection method: clinical testing. Allele origin: germline.
Comment: This sequence change affects a donor splice site in intron 14 of the COL9A1 gene. It is expected to disrupt RNA splicing and likely results in an absent or disrupted protein product. This variant is not present in population databases (ExAC no frequency). This variant has not been reported in the literature in individuals with COL9A1-related conditions. Donor and acceptor splice site variants typically lead to a loss of protein function (PMID: 16199547), and loss-of-function variants in COL9A1 are known to be pathogenic (PMID: 16909383, 21421862). In summary, the currently available evidence indicates that the variant is pathogenic, but additional data are needed to prove that conclusively. Therefore, this variant has been classified as Likely Pathogenic.

Literature cited by the submitters: PubMed 16199547; PubMed 16909383; PubMed 21421862.